The following is an entry in ClinVar:

NM_021942.6(TRAPPC11):c.2531G>A (p.Arg844His)

Gene: TRAPPC11 (trafficking protein particle complex subunit 11; plus strand). Cytogenetic location: 4q35.1.
Variant type: single nucleotide variant.
Coding change: c.2531G>A on transcript NM_021942.6 (MANE Select); coding-DNA position 2531, G replaced by A.
Protein change: p.Arg844His; replaces arginine 844 with histidine.
Molecular consequence: missense variant.
Genome position (GRCh38, 1-based): chr4:183,694,626, G>A. VCF-style: chr4-183694626-G-A. GRCh37 (hg19) VCF-style: chr4-184615779-G-A.
Other names: c.2531G>A, p.Arg844His (NM_199053.3); short protein forms R844H.
Identifiers: ClinVar variation 640745 (VCV000640745.8), dbSNP rs781082721, ClinGen allele CA3152225.

ClinVar aggregate classification (germline): Uncertain significance. Review status: criteria provided, multiple submitters, no conflicts (2 of 4 stars). 2 submissions from 2 submitters: Uncertain significance (2). Last evaluated 2022-07-25.

Conditions:
Autosomal recessive limb-girdle muscular dystrophy type R18 (LGMDR18). Also called: Autosomal recessive limb-girdle muscular dystrophy type 2S; Limb-girdle muscular dystrophy, type 2S; MUSCULAR DYSTROPHY, LIMB-GIRDLE, AUTOSOMAL RECESSIVE 18. Identifiers: Orphanet 369840, MedGen C4517996, MONDO:0014144, OMIM 615356.

Allele frequency attached by ClinVar (database versions not stated): gnomAD 0.00001; TOPMed 0.00001.
gnomAD v4.1: 6 of 1,612,690 alleles (0.00037%); highest among the groups gnomAD compares: Non-Finnish European, 0.00034%; no homozygotes.

Submissions (2):

Revvity Omics, Revvity
Classification: Uncertain significance for Autosomal recessive limb-girdle muscular dystrophy type R18. Last evaluated: 2022-07-25. Review status: criteria provided, single submitter. Criteria: ACMG Guidelines, 2015. Collection method: clinical testing. Allele origin: germline.

Labcorp Genetics (formerly Invitae), Labcorp
Classification: Uncertain significance for Autosomal recessive limb-girdle muscular dystrophy type R18. Last evaluated: 2021-09-01. Review status: criteria provided, single submitter. Criteria: Invitae Variant Classification Sherloc (09022015). Collection method: clinical testing. Allele origin: germline.
Comment: This sequence change replaces arginine with histidine at codon 844 of the TRAPPC11 protein (p.Arg844His). The arginine residue is moderately conserved and there is a small physicochemical difference between arginine and histidine. This variant is present in population databases (rs781082721, ExAC 0.02%). This variant has not been reported in the literature in individuals affected with TRAPPC11-related conditions. Algorithms developed to predict the effect of missense changes on protein structure and function are either unavailable or do not agree on the potential impact of this missense change (SIFT: "Tolerated"; PolyPhen-2: "Possibly Damaging"; Align-GVGD: "Class C0"). In summary, the available evidence is currently insufficient to determine the role of this variant in disease. Therefore, it has been classified as a Variant of Uncertain Significance.